The following is an entry in ClinVar:

NM_000045.4(ARG1):c.623T>C (p.Ile208Thr)

Genes: ARG1 (arginase 1; plus strand), MED23 (mediator complex subunit 23; minus strand). Cytogenetic location: 6q23.2.
Variant type: single nucleotide variant.
Coding change: c.623T>C on transcript NM_000045.4 (MANE Select); coding-DNA position 623, T replaced by C.
Protein change: p.Ile208Thr; replaces isoleucine 208 with threonine.
Molecular consequence: missense variant. On other transcripts: non-coding transcript variant (1), intron variant (2).
Genome position (GRCh38, 1-based): chr6:131,583,122, T>C. VCF-style: chr6-131583122-T-C. GRCh37 (hg19) VCF-style: chr6-131904262-T-C.
Other names: c.647T>C, p.Ile216Thr (NM_001244438.2); c.368T>C, p.Ile123Thr (NM_001369020.1); c.4077+4587A>G (NM_001270521.2); c.4095+4587A>G (NM_015979.4); short protein forms I216T, I123T, I208T.
Identifiers: ClinVar variation 1394585 (VCV001394585.4), dbSNP rs993784608, ClinGen allele CA147897971.

ClinVar aggregate classification (germline): Uncertain significance (1 of 4 stars; one submission).

Conditions:
Arginase deficiency. Also called: ARGININEMIA; ARG1 DEFICIENCY; Arginase 1 Deficiency. Identifiers: Orphanet 90, MedGen C0268548, MONDO:0008814, OMIM 207800.

Allele frequency attached by ClinVar (database versions not stated): TOPMed below 0.00001; gnomAD exomes 0.00001 and below 0.00001.
gnomAD v4.1: 3 of 1,613,994 alleles (0.00019%); highest among the groups gnomAD compares: Non-Finnish European, 0.00025%; no homozygotes.

Submission:

Labcorp Genetics (formerly Invitae), Labcorp
Classification: Uncertain significance for Arginase deficiency. Last evaluated: 2021-12-20. Review status: criteria provided, single submitter. Criteria: Invitae Variant Classification Sherloc (09022015). Collection method: clinical testing. Allele origin: germline.
Comment: This sequence change replaces isoleucine, which is neutral and non-polar, with threonine, which is neutral and polar, at codon 208 of the ARG1 protein (p.Ile208Thr). This variant is not present in population databases (gnomAD no frequency). This variant has not been reported in the literature in individuals affected with ARG1-related conditions. Algorithms developed to predict the effect of missense changes on protein structure and function (SIFT, PolyPhen-2, Align-GVGD) all suggest that this variant is likely to be disruptive. In summary, the available evidence is currently insufficient to determine the role of this variant in disease. Therefore, it has been classified as a Variant of Uncertain Significance.